The following is an entry in ClinVar:

ClinVar aggregate classification (germline): Uncertain significance (1 of 4 stars; one submission).

Submission:

GeneDx
Classification: Uncertain significance. Last evaluated: 2024-08-07. Review status: criteria provided, single submitter. Criteria: GeneDx Variant Classification Process June 2021. Collection method: clinical testing. Allele origin: germline. Affected: yes.
Comment: Not observed at significant frequency in large population cohorts (gnomAD); In silico analysis indicates that this variant does not alter protein structure/function; Has not been previously published as pathogenic or benign to our knowledge

NM_001085458.2(CTNND1):c.481_483delinsCAT (p.Asp161His)

Genes: CTNND1 (catenin delta 1; plus strand), TMX2-CTNND1 (TMX2-CTNND1 readthrough (NMD candidate); plus strand). Cytogenetic location: 11q12.1.
Variant type: Indel.
Coding change: c.481_483delinsCAT on transcript NM_001085458.2 (MANE Select); coding-DNA positions 481 to 483, GAC replaced by CAT.
Protein change: p.Asp161His; replaces aspartic acid 161 with histidine.
Molecular consequence: missense variant. On other transcripts: non-coding transcript variant (1).
Genome position (GRCh38, 1-based): chr11:57,796,517-57,796,519, GAC replaced by CAT. VCF-style: chr11-57796517-GAC-CAT. GRCh37 (hg19) VCF-style: chr11-57563989-GAC-CAT.
Other names: c.481_483delinsCAT, p.Asp161His (NM_001085459.2, NM_001085460.2, NM_001085461.2 and 3 more transcripts); c.178_180delinsCAT, p.Asp60His (NM_001085463.2, NM_001085464.2, NM_001085465.2 and 5 more transcripts); c.319_321delinsCAT, p.Asp107His (NM_001206883.2, NM_001206884.2, NM_001206886.2 and 4 more transcripts); short protein forms D107H, D161H, D60H.
Identifiers: ClinVar variation 3602836 (VCV003602836.1).